The following is an entry in ClinVar:

NM_020964.3(EPG5):c.3689C>A (p.Thr1230Asn)

Gene: EPG5 (ectopic P-granules 5 autophagy tethering factor; minus strand). Cytogenetic location: 18q21.1.
Variant type: single nucleotide variant.
Coding change: c.3689C>A on transcript NM_020964.3 (MANE Select); coding-DNA position 3689, C replaced by A.
Protein change: p.Thr1230Asn; replaces threonine 1230 with asparagine.
Molecular consequence: missense variant.
Genome position (GRCh38, 1-based): chr18:45,915,515, G>T on the plus strand (C>A on the coding strand, the complement: EPG5 is on the minus strand). VCF-style: chr18-45915515-G-T. GRCh37 (hg19) VCF-style: chr18-43495480-G-T.
Other names: short protein forms T1230N.
Identifiers: ClinVar variation 934371 (VCV000934371.9), dbSNP rs772294581, ClinGen allele CA402341653.

ClinVar aggregate classification (germline): Uncertain significance (1 of 4 stars; one submission).

Conditions:
Vici syndrome (VICIS). Identifiers: Orphanet 1493, MedGen C1855772, MONDO:0009452, OMIM 242840.

Submission:

Labcorp Genetics (formerly Invitae), Labcorp
Classification: Uncertain significance for Vici syndrome. Last evaluated: 2019-08-22. Review status: criteria provided, single submitter. Criteria: Invitae Variant Classification Sherloc (09022015). Collection method: clinical testing. Allele origin: germline.
Comment: In summary, the available evidence is currently insufficient to determine the role of this variant in disease. Therefore, it has been classified as a Variant of Uncertain Significance. This sequence change replaces threonine with asparagine at codon 1230 of the EPG5 protein (p.Thr1230Asn). The threonine residue is moderately conserved and there is a small physicochemical difference between threonine and asparagine. This variant is not present in population databases (ExAC no frequency). This variant has not been reported in the literature in individuals with EPG5-related conditions. Algorithms developed to predict the effect of missense changes on protein structure and function are either unavailable or do not agree on the potential impact of this missense change (SIFT: "Tolerated"; PolyPhen-2: "Probably Damaging"; Align-GVGD: "Class C0").